The following is an entry in ClinVar:

NM_002471.4(MYH6):c.319del (p.Glu107fs)

Genes: MYH6 (myosin heavy chain 6; minus strand), LOC114827851 (VISTA enhancer hs2155; plus strand). Cytogenetic location: 14q11.2.
Variant type: Deletion.
Coding change: c.319del on transcript NM_002471.4 (MANE Select); coding-DNA position 319, one base deleted (G; older notation c.319delG).
Protein change: p.Glu107fs; shifts the reading frame from glutamic acid 107.
Molecular consequence: frameshift variant.
Genome position (GRCh38, 1-based): chr14:23,405,653, C deleted on the plus strand (G on the coding strand, the reverse complement: MYH6 is on the minus strand); the first of 2 consecutive C bases (chr14:23,405,653-23,405,654); deleting either gives the same sequence. VCF-style (leftmost placement, unchanged base first): chr14-23405652-TC-T. GRCh37 (hg19) VCF-style: chr14-23874861-TC-T.
Other names: short protein forms E107fs.
Identifiers: ClinVar variation 2021336 (VCV002021336.4), dbSNP rs2502209052, ClinGen allele CA2580087865.

ClinVar aggregate classification (germline): Uncertain significance (1 of 4 stars; one submission).

Conditions:
Hypertrophic cardiomyopathy 14. Identifiers: MedGen C2750467, MONDO:0013197, OMIM 613251.

Submission:

Labcorp Genetics (formerly Invitae), Labcorp
Classification: Uncertain significance for Hypertrophic cardiomyopathy 14. Last evaluated: 2022-08-03. Review status: criteria provided, single submitter. Criteria: Invitae Variant Classification Sherloc (09022015). Collection method: clinical testing. Allele origin: germline.
Comment: In summary, the available evidence is currently insufficient to determine the role of this variant in disease. Therefore, it has been classified as a Variant of Uncertain Significance. Experimental studies and prediction algorithms are not available or were not evaluated, and the functional significance of this variant is currently unknown. This variant has not been reported in the literature in individuals affected with MYH6-related conditions. This variant is not present in population databases (gnomAD no frequency). This sequence change creates a premature translational stop signal (p.Glu107Serfs*7) in the MYH6 gene. It is expected to result in an absent or disrupted protein product. However, the current clinical and genetic evidence is not sufficient to establish whether loss-of-function variants in MYH6 cause disease.